The following is an entry in ClinVar:

NM_006509.4(RELB):c.1505T>C (p.Leu502Pro)

Gene: RELB (RELB proto-oncogene, NF-kB subunit; plus strand). Cytogenetic location: 19q13.32.
Variant type: single nucleotide variant.
Coding change: c.1505T>C on transcript NM_006509.4 (MANE Select); coding-DNA position 1505, T replaced by C.
Protein change: p.Leu502Pro; replaces leucine 502 with proline.
Molecular consequence: missense variant.
Genome position (GRCh38, 1-based): chr19:45,037,555, T>C. VCF-style: chr19-45037555-T-C. GRCh37 (hg19) VCF-style: chr19-45540813-T-C.
Other names: short protein forms L502P.
Identifiers: ClinVar variation 1037749 (VCV001037749.8), dbSNP rs1434059826, ClinGen allele CA406309490.

ClinVar aggregate classification (germline): Uncertain significance (1 of 4 stars; one submission).

Allele frequency attached by ClinVar (database versions not stated): gnomAD exomes below 0.00001 and 0.00001.
gnomAD v4.1: 2 of 1,613,094 alleles (0.00012%); highest among the groups gnomAD compares: Admixed American, 0.0033%; no homozygotes.

Submission:

Labcorp Genetics (formerly Invitae), Labcorp
Classification: Uncertain significance. Last evaluated: 2025-07-21. Review status: criteria provided, single submitter. Criteria: Invitae Variant Classification Sherloc (09022015). Collection method: clinical testing. Allele origin: germline.
Comment: This sequence change replaces leucine, which is neutral and non-polar, with proline, which is neutral and non-polar, at codon 502 of the RELB protein (p.Leu502Pro). This variant is present in population databases (no rsID available, gnomAD 0.006%). This variant has not been reported in the literature in individuals affected with RELB-related conditions. ClinVar contains an entry for this variant (Variation ID: 1037749). An algorithm developed to predict the effect of missense changes on protein structure and function (PolyPhen-2) suggests that this variant is likely to be tolerated. In summary, the available evidence is currently insufficient to determine the role of this variant in disease. Therefore, it has been classified as a Variant of Uncertain Significance.